The following is an entry in ClinVar:

ClinVar aggregate classification (germline): Uncertain significance (1 of 4 stars; one submission).

Conditions:
Hereditary cancer-predisposing syndrome. Also called: Neoplastic Syndromes, Hereditary; Tumor predisposition; Hereditary neoplastic syndrome; Hereditary Cancer Syndrome. Identifiers: Orphanet 140162, MedGen C0027672, MeSH D009386, MONDO:0015356.

Submission:

Ambry Genetics
Classification: Uncertain significance for Hereditary cancer-predisposing syndrome. Last evaluated: 2023-11-18. Review status: criteria provided, single submitter. Criteria: Ambry Variant Classification Scheme 2023. Collection method: clinical testing. Allele origin: germline.
Comment: The c.1921_1938dup18 variant (also known as p.P641_S646dup), located in coding exon 14 of the PTCH1 gene, results from an in-frame duplication of 18 nucleotides at nucleotide positions 1921 to 1938. This results in the duplication of 6 extra residues (PPPPYS) between codons 641 and 646. This amino acid region is highly conserved in available vertebrate species. In addition, the in silico prediction for this alteration is inconclusive (Choi Y et al. PLoS ONE. 2012; 7(10):e46688). Since supporting evidence is limited at this time, the clinical significance of this alteration remains unclear.

NM_000264.5(PTCH1):c.1921_1938dup (p.Ser646_Ser647insProProProProTyrSer)

Genes: PTCH1 (patched 1; minus strand), LOC100507346 (uncharacterized LOC100507346; plus strand). Cytogenetic location: 9q22.32.
Variant type: Duplication.
Coding change: c.1921_1938dup on transcript NM_000264.5 (MANE Select); coding-DNA positions 1921 to 1938, 18 bases duplicated (CCCCCACCTCCCTACAGC).
Protein change: p.Ser646_Ser647insProProProProTyrSer.
Molecular consequence: inframe insertion. On other transcripts: non-coding transcript variant (2), inframe indel (1).
Genome position (GRCh38, 1-based): chr9:95,469,063-95,469,080, GCTGTAGGGAGGTGGGGG duplicated on the plus strand (CCCCCACCTCCCTACAGC on the coding strand, the reverse complement: PTCH1 is on the minus strand); duplicating any 18 consecutive bases within chr9:95,469,063-95,469,087 gives the same sequence; the c. name uses the placement nearest the transcript's 3' end. VCF-style (leftmost placement, unchanged base first): chr9-95469062-T-TGCTGTAGGGAGGTGGGGG. GRCh37 (hg19) VCF-style: chr9-98231344-T-TGCTGTAGGGAGGTGGGGG.
Other names: c.1723_1740dup, p.Ser580_Ser581insProProProProTyrSer (NM_001083602.3); c.1918_1935dup, p.Ser645_Ser646insProProProProTyrSer (NM_001083603.3); c.1468_1485dup, p.Ser495_Ser496insProProProProTyrSer (NM_001083604.3, NM_001083605.3, NM_001083606.3 and 1 more transcripts); c.1765_1782dup, p.Ser594_Ser595insProProProProTyrSer (NM_001354918.2); c.1921_1938dupCCCCCACCTCCCTACAGC (NM_000264.3).
Identifiers: ClinVar variation 3230964 (VCV003230964.1), dbSNP rs2538149112, ClinGen allele CA2825001633.
Genomic context (GRCh38, chr9:95,469,062, plus strand): 5'-CCGTGCGGAGCTGGACAGTGGACTGCATGGTAATCTGCGTTTCATGGGCAAAGCTGTGGC[T>TGCTGTAGGGAGGTGGGGG]GCTGTAGGGAGGTGGGGGGCTGTAGCGGGTATTGTCGTGTGTGTCGGTGTAGGCCTGAGG-3'